The following is an entry in ClinVar:

NM_004714.3(DYRK1B):c.*2C>T

Gene: DYRK1B (dual specificity tyrosine phosphorylation regulated kinase 1B; minus strand). Cytogenetic location: 19q13.2.
Variant type: single nucleotide variant.
Coding change: c.*2C>T on transcript NM_004714.3 (MANE Select); 2 bases downstream of the stop codon, C replaced by T.
Molecular consequence: 3 prime UTR variant.
Genome position (GRCh38, 1-based): chr19:39,825,713, G>A on the plus strand (C>T on the coding strand, the complement: DYRK1B is on the minus strand). VCF-style: chr19-39825713-G-A. GRCh37 (hg19) VCF-style: chr19-40316353-G-A.
Other names: c.*2C>T (NM_006483.3, NM_006484.3).
Identifiers: ClinVar variation 4988668 (VCV004988668.1).
Genomic context (GRCh38, chr19:39,825,713, plus strand): 5'-GCCCAGGGCCCCCAGATGGGGGAGGGTATGGCTTCAGGAGGGGCCCCAGGGAGGGGGCAG[G>A]GTCACGAGCTGGCTGCTGTGCTCTGGGGTACACCACGGAGGCCCAGGTGAGGCCCCAGAG-3'

ClinVar aggregate classification (germline): Likely benign (1 of 4 stars; one submission).

Conditions:
DYRK1B-related disorder. Also called: DYRK1B-related condition.

gnomAD v4.1: 1 of 1,548,456 alleles (0.000065%); highest among the groups gnomAD compares: Non-Finnish European, 0.000087%; no homozygotes.

Submission:

PreventionGenetics, part of Exact Sciences
Classification: Likely benign for DYRK1B-related condition. Last evaluated: 2026-04-03. Review status: criteria provided, single submitter. Criteria: ACMG Guidelines, 2015. Collection method: clinical testing. Allele origin: germline.
Comment: This variant is classified as likely benign based on ACMG/AMP sequence variant interpretation guidelines (Richards et al. 2015 PMID: 25741868, with internal and published modifications).